The following is an entry in ClinVar:

NM_000277.3(PAH):c.673C>A (p.Pro225Thr)

Gene: PAH (phenylalanine hydroxylase; minus strand). Cytogenetic location: 12q23.2.
Variant type: single nucleotide variant.
Coding change: c.673C>A on transcript NM_000277.3 (MANE Select); coding-DNA position 673, C replaced by A.
Protein change: p.Pro225Thr; replaces proline 225 with threonine.
Molecular consequence: missense variant.
Genome position (GRCh38, 1-based): chr12:102,855,169, G>T on the plus strand (C>A on the coding strand, the complement: PAH is on the minus strand). VCF-style: chr12-102855169-G-T. GRCh37 (hg19) VCF-style: chr12-103248947-G-T.
Other names: c.673C>A, p.Pro225Thr (NM_001354304.2); short protein forms P225T.
Identifiers: ClinVar variation 102779 (VCV000102779.17), dbSNP rs199475589, ClinGen allele CA229685.
Genomic context (GRCh38, chr12:102,855,169, plus strand): 5'-GGGCCATTGACCCTGATGTGGACTTACTCTGCAGGAACTGAGAAACGTCTTCCAGCTGGG[G>T]AATGTTATCTTCATGGAAGCCACAGTACTTTTCAAGAAGTGGAAAAATGTGATTGTACTC-3'
Protein context (NP_000268.1, residues 215-235): KYCGFHEDNI[Pro225Thr]QLEDVSQFLQ

ClinVar aggregate classification (germline): Pathogenic. Review status: criteria provided, multiple submitters, no conflicts (2 of 4 stars). 8 submissions from 8 submitters: Pathogenic (5). 3 of the submissions do not count toward it. Last evaluated 2025-10-22.

Conditions:
PAH-related disorder. Also called: PAH-related condition.
Autosomal recessive PAH-related disorders.
Phenylketonuria (PKU). Also called: Phenylketonuria (PKU); FOLLING DISEASE; OLIGOPHRENIA PHENYLPYRUVICA; Phenylketonurias. Identifiers: Orphanet 716, MedGen C0031485, MONDO:0009861, OMIM 261600. Disease mechanism: loss of function.

Allele frequency attached by ClinVar (database versions not stated): gnomAD 0.00001.
gnomAD v4.1: 1 of 1,614,020 alleles (0.000062%); highest among the groups gnomAD compares: Non-Finnish European, 0.000085%; no homozygotes.

Submissions (8):

Variantyx, Inc.
Classification: Pathogenic for Autosomal recessive PAH-related disorders. Last evaluated: 2025-10-22. Review status: criteria provided, single submitter. Criteria: Variantyx Assertion Criteria 2022. Collection method: clinical testing. Allele origin: germline. Inheritance: Autosomal recessive inheritance. Affected: no.
Comment: This is a nonsynonymous variant in the PAH gene (OMIM: 612349). Pathogenic variants in this gene have been associated with autosomal recessive PAH-related disorders. This variant has been identified in the homozygous or compound heterozygous state in many individuals reported in the published literature (PMID:18299955, 23430547, 22330942, 32668217) (PM3). Two alternate amino acid changes at this position (p.Pro225Leu, p.Pro225Ala) have been previously reported in similarly affected individuals, which suggests that this residue is biologically important (PMID: 21307867, 32668217, 29499199) (PM5), and multiple computational algorithms predict a deleterious effect for this variant (REVEL score: 0.988) (PP3_Strong). This variant has a 0.0015% maximum allele frequency in non-founder control populations (PM2). Based on the current evidence, this variant is classified as pathogenic for autosomal recessive PAH-related disorders.

Blueprint Genetics
Classification: Pathogenic for PAH-related disorders. Last evaluated: 2024-06-17. Review status: criteria provided, single submitter. Criteria: ACMG Guidelines, 2015. Collection method: clinical testing. Allele origin: germline. Affected: yes. Observed: 2 variant alleles.

Labcorp Genetics (formerly Invitae), Labcorp
Classification: Pathogenic for Phenylketonuria. Last evaluated: 2024-02-19. Review status: criteria provided, single submitter. Criteria: Invitae Variant Classification Sherloc (09022015). Collection method: clinical testing. Allele origin: germline.
Comment: This sequence change replaces proline, which is neutral and non-polar, with threonine, which is neutral and polar, at codon 225 of the PAH protein (p.Pro225Thr). This variant is not present in population databases (gnomAD no frequency). This missense change has been observed in individual(s) with hyperphenylalaninemia (PMID: 18299955, 22330942, 23430547). ClinVar contains an entry for this variant (Variation ID: 102779). Advanced modeling of protein sequence and biophysical properties (such as structural, functional, and spatial information, amino acid conservation, physicochemical variation, residue mobility, and thermodynamic stability) performed at Invitae indicates that this missense variant is expected to disrupt PAH protein function with a positive predictive value of 80%. For these reasons, this variant has been classified as Pathogenic.

3billion
Classification: Pathogenic for Phenylketonuria. Last evaluated: 2022-01-03. Review status: criteria provided, single submitter. Criteria: ACMG Guidelines, 2015. Collection method: clinical testing. Allele origin: germline. Affected: yes. Observed: 1 heterozygote.
Comment: Same nucleotide change resulting in same amino acid change has been previously reported as pathogenic/likely pathogenic with strong evidence (ClinVar ID: VCV000102779, PMID:9391881, PS1_S). A different missense change at the same codon has been reported as pathogenic/likely pathogenic with strong evidence (ClinVar ID: VCV000102780,VCV000932277, PMID:10394930,10527663,21307867, PM5_M). In silico tool predictions suggest damaging effect of the variant on gene or gene product (REVEL: 0.988, 3CNET: 0.997, PP3_P). A missense variant is a common mechanism associated with Classic phenylketonuria (PP2_P). It is not observed in the gnomAD v2.1.1 dataset (PM2_M). Therefore, this variant is classified as pathogenic according to the recommendation of ACMG/AMP guideline.

Women's Health and Genetics/Laboratory Corporation of America, LabCorp
Classification: Pathogenic for Phenylketonuria. Last evaluated: 2020-02-17. Review status: criteria provided, single submitter. Criteria: LabCorp Variant Classification Summary - May 2015. Collection method: clinical testing. Allele origin: germline.
Comment: Variant summary: PAH c.673C>A (p.Pro225Thr) results in a non-conservative amino acid change located in the Aromatic amino acid hydroxylase, C-terminal (IPR019774) of the encoded protein sequence. Five of five in-silico tools predict a damaging effect of the variant on protein function. The variant was absent in 251338 control chromosomes. c.673C>A has been widely reported in the literature in multiple individuals affected with Phenylalanine Hydroxylase Deficiency (Phenylketonuria) in literature originating from 1997 (Kozak_1997) through the present (example, Kuznetcova_2019). These data indicate that the variant is very likely to be associated with disease. To our knowledge, no experimental evidence demonstrating an impact on protein function has been reported. One clinical diagnostic laboratory has submitted clinical-significance assessments for this variant to ClinVar after 2014 without evidence for independent evaluation and classified the variant as pathogenic. Based on the evidence outlined above, the variant was classified as pathogenic.

Natera, Inc.
Classification: Pathogenic for Phenylketonuria. Last evaluated: 2021-04-08. Review status: no assertion criteria provided. Collection method: clinical testing. Allele origin: germline. Not counted in ClinVar's aggregate classification.

Counsyl
Classification: Pathogenic for Phenylketonuria. Last evaluated: 2018-03-05. Review status: no assertion criteria provided. Collection method: clinical testing. Allele origin: unknown. Not counted in ClinVar's aggregate classification.

DeBelle Laboratory for Biochemical Genetics, MUHC/MCH RESEARCH INSTITUTE
No classification provided. Review status: no classification provided. Collection method: not provided. Allele origin: not provided. Not counted in ClinVar's aggregate classification.

Literature cited by the submitters: PubMed 18299955 (cited by 3 submitters); PubMed 23430547 (cited by 3 submitters); PubMed 22330942 (cited by 3 submitters); PubMed 32668217 (cited by Variantyx, Inc.); PubMed 10394930 (cited by 3billion); PubMed 9391881 (cited by 3billion and Women's Health and Genetics/Laboratory Corporation of America, LabCorp); PubMed 31332730 (cited by Women's Health and Genetics/Laboratory Corporation of America, LabCorp); PubMed 26481238 (cited by Counsyl); PubMed 23430918 (cited by Counsyl); PubMed 24941924 (cited by Counsyl); PubMed 21147011 (cited by Counsyl).